The following is an entry in ClinVar:

NM_032119.4(ADGRV1):c.22+3A>C

Genes: ADGRV1 (adhesion G protein-coupled receptor V1; plus strand), LOC129994205 (ATAC-STARR-seq lymphoblastoid silent region 16170; plus strand). Cytogenetic location: 5q14.3.
Variant type: single nucleotide variant.
Coding change: c.22+3A>C on transcript NM_032119.4 (MANE Select); 3 bases into the intron after coding-DNA position 22, A replaced by C.
Molecular consequence: intron variant.
Genome position (GRCh38, 1-based): chr5:90,558,920, A>C. VCF-style: chr5-90558920-A-C. GRCh37 (hg19) VCF-style: chr5-89854737-A-C.
Identifiers: ClinVar variation 2135612 (VCV002135612.1), dbSNP rs2531199635, ClinGen allele CA2580073821.

ClinVar aggregate classification (germline): Uncertain significance (1 of 4 stars; one submission).

Submission:

Labcorp Genetics (formerly Invitae), Labcorp
Classification: Uncertain significance. Last evaluated: 2022-05-08. Review status: criteria provided, single submitter. Criteria: Invitae Variant Classification Sherloc (09022015). Collection method: clinical testing. Allele origin: germline.
Comment: This sequence change falls in intron 1 of the ADGRV1 gene. It does not directly change the encoded amino acid sequence of the ADGRV1 protein. It affects a nucleotide within the consensus splice site. This variant is not present in population databases (gnomAD no frequency). This variant has not been reported in the literature in individuals affected with ADGRV1-related conditions. Variants that disrupt the consensus splice site are a relatively common cause of aberrant splicing (PMID: 17576681, 9536098). Algorithms developed to predict the effect of sequence changes on RNA splicing suggest that this variant may disrupt the consensus splice site. In summary, the available evidence is currently insufficient to determine the role of this variant in disease. Therefore, it has been classified as a Variant of Uncertain Significance.

Literature cited by the submitters: PubMed 17576681; PubMed 9536098.